The following is an entry in ClinVar:

ClinVar aggregate classification (germline): Uncertain significance. Review status: criteria provided, multiple submitters, no conflicts (2 of 4 stars). 3 submissions from 3 submitters: Uncertain significance (2). 1 of the submissions does not count toward it. Last evaluated 2025-07-12.

Conditions:
Retinal dystrophy. Also called: Inherited retinal dystrophy. Identifiers: Orphanet 71862, MedGen C0854723, MeSH D058499, MONDO:0019118, HP:0000556.
Inborn genetic diseases. Identifiers: MedGen C0950123, MeSH D030342.

Allele frequency attached by ClinVar (database versions not stated): gnomAD 0.00001; gnomAD exomes 0.00003.

Submissions (3):

Ambry Genetics
Classification: Uncertain significance for Inborn genetic diseases. Last evaluated: 2025-07-12. Review status: criteria provided, single submitter. Criteria: Ambry Variant Classification Scheme 2023. Collection method: clinical testing. Allele origin: germline.

Labcorp Genetics (formerly Invitae), Labcorp
Classification: Uncertain significance. Last evaluated: 2022-07-24. Review status: criteria provided, single submitter. Criteria: Invitae Variant Classification Sherloc (09022015). Collection method: clinical testing. Allele origin: germline.
Comment: This sequence change replaces leucine, which is neutral and non-polar, with phenylalanine, which is neutral and non-polar, at codon 88 of the LCA5 protein (p.Leu88Phe). This variant is present in population databases (no rsID available, gnomAD no frequency). This variant has not been reported in the literature in individuals affected with LCA5-related conditions. Algorithms developed to predict the effect of missense changes on protein structure and function are either unavailable or do not agree on the potential impact of this missense change (SIFT: "Deleterious"; PolyPhen-2: "Possibly Damaging"; Align-GVGD: "Class C0"). In summary, the available evidence is currently insufficient to determine the role of this variant in disease. Therefore, it has been classified as a Variant of Uncertain Significance.

Institute of Human Genetics, Univ. Regensburg, Univ. Regensburg
Classification: Uncertain significance for Retinal dystrophy. Last evaluated: 2017-01-01. Review status: no assertion criteria provided. Criteria: ACMG Guidelines, 2015. Collection method: clinical testing. Allele origin: germline. Affected: yes. Not counted in ClinVar's aggregate classification.

NM_001122769.3(LCA5):c.262C>T (p.Leu88Phe)

Gene: LCA5 (lebercilin LCA5; minus strand). Cytogenetic location: 6q14.1.
Variant type: single nucleotide variant.
Coding change: c.262C>T on transcript NM_001122769.3 (MANE Select); coding-DNA position 262, C replaced by T.
Protein change: p.Leu88Phe; replaces leucine 88 with phenylalanine.
Molecular consequence: missense variant.
Genome position (GRCh38, 1-based): chr6:79,513,670, G>A on the plus strand (C>T on the coding strand, the complement: LCA5 is on the minus strand). VCF-style: chr6-79513670-G-A. GRCh37 (hg19) VCF-style: chr6-80223387-G-A.
Other names: c.262C>T, p.Leu88Phe (NM_181714.4); short protein forms L88F.
Identifiers: ClinVar variation 2082915 (VCV002082915.4), dbSNP rs1268242839, ClinGen allele CA364629741.